The following is an entry in ClinVar:

ClinVar aggregate classification (germline): Likely benign. Review status: criteria provided, multiple submitters, no conflicts (2 of 4 stars). 2 submissions from 2 submitters: Likely benign (2). Last evaluated 2025-03-07.

Conditions:
Bardet-Biedl syndrome (BBS). Identifiers: Orphanet 110, MedGen C0752166, MONDO:0015229.
BBS7-related disorder. Also called: BBS7-related condition.

Allele frequency attached by ClinVar (database versions not stated): gnomAD exomes below 0.00001; ExAC 0.00001; gnomAD 0.00001; TOPMed 0.00001.
gnomAD v4.1: 4 of 1,613,716 alleles (0.00025%); highest among the groups gnomAD compares: Admixed American, 0.005%; no homozygotes.

Submissions (2):

PreventionGenetics, part of Exact Sciences
Classification: Likely benign for BBS7-related condition. Last evaluated: 2025-03-07. Review status: criteria provided, single submitter. Criteria: ACMG Guidelines, 2015. Collection method: clinical testing. Allele origin: germline.
Comment: This variant is classified as likely benign based on ACMG/AMP sequence variant interpretation guidelines (Richards et al. 2015 PMID: 25741868, with internal and published modifications).

Labcorp Genetics (formerly Invitae), Labcorp
Classification: Likely benign for Bardet-Biedl syndrome. Last evaluated: 2024-01-05. Review status: criteria provided, single submitter. Criteria: Invitae Variant Classification Sherloc (09022015). Collection method: clinical testing. Allele origin: germline.

NM_176824.3(BBS7):c.1812C>T (p.His604=)

Gene: BBS7 (Bardet-Biedl syndrome 7; minus strand). Cytogenetic location: 4q27.
Variant type: single nucleotide variant.
Coding change: c.1812C>T on transcript NM_176824.3 (MANE Select); coding-DNA position 1812, C replaced by T.
Protein change: p.His604=; no amino-acid change (histidine 604 retained).
Molecular consequence: synonymous variant.
Genome position (GRCh38, 1-based): chr4:121,828,480, G>A on the plus strand (C>T on the coding strand, the complement: BBS7 is on the minus strand). VCF-style: chr4-121828480-G-A. GRCh37 (hg19) VCF-style: chr4-122749635-G-A.
Other names: c.1812C>T (NM_176824.2); c.1812C>T, p.His604= (NM_018190.4).
Identifiers: ClinVar variation 2045225 (VCV002045225.5), dbSNP rs767666142, ClinGen allele CA3064123.
Genomic context (GRCh38, chr4:121,828,480, plus strand): 5'-CTGCACTTTCTTAGCCAAAAGCAACTGGTACTCCAGCTTTGGGTGGATTAGCTTTAAAGT[G>A]TGTTTGACTGATACTTCATTTATCTCTAGAAGGAGTTGACCAGATGCAGTTAGATAAATC-3'
Protein context (NP_789794.1, residues 594-614): SYEINEVSVK[His604=]TLKLIHPKLE